The following is an entry in ClinVar:

NC_000012.11:g.(?_8248177)_(8248319_?)del

Gene: NECAP1 (NECAP endocytosis associated 1; plus strand). Cytogenetic location: 12p13.31.
Variant type: Deletion.
Identifiers: ClinVar variation 1411969 (VCV001411969.8).

ClinVar aggregate classification (germline): Uncertain significance (1 of 4 stars; one submission).

Conditions:
Developmental and epileptic encephalopathy, 21 (DEE21). Also called: Early infantile epileptic encephalopathy 21. Identifiers: Orphanet 442835, MedGen C4014430, MONDO:0014360, OMIM 615833.

Submission:

Labcorp Genetics (formerly Invitae), Labcorp
Classification: Uncertain significance for Developmental and epileptic encephalopathy, 21. Last evaluated: 2021-05-19. Review status: criteria provided, single submitter. Criteria: Invitae Variant Classification Sherloc (09022015). Collection method: clinical testing. Allele origin: germline.
Comment: In summary, the available evidence is currently insufficient to determine the role of this variant in disease. Therefore, it has been classified as a Variant of Uncertain Significance. Experimental studies and prediction algorithms are not available or were not evaluated, and the functional significance of this variant is currently unknown. This variant has not been reported in the literature in individuals with NECAP1-related conditions. This variant is a gross deletion of the genomic region encompassing exon(s) 7 of the NECAP1 gene. While this deletion is not anticipated to lead to nonsense mediated decay, it is expected to disrupt the C-terminus of the protein.